The following is an entry in ClinVar:

ClinVar aggregate classification (germline): Uncertain significance (1 of 4 stars; one submission).

Conditions:
Inborn genetic diseases. Identifiers: MedGen C0950123, MeSH D030342.

Submission:

Ambry Genetics
Classification: Uncertain significance for Inborn genetic diseases. Last evaluated: 2024-12-08. Review status: criteria provided, single submitter. Criteria: Ambry Variant Classification Scheme 2023. Collection method: clinical testing. Allele origin: germline.
Comment: The p.L55H variant (also known as c.164T>A), located in coding exon 1 of the SAMD9L gene, results from a T to A substitution at nucleotide position 164. The leucine at codon 55 is replaced by histidine, an amino acid with similar properties. This amino acid position is conserved. In addition, this alteration is predicted to be deleterious by in silico analysis. Based on the available evidence, the clinical significance of this variant remains unclear.

NM_152703.5(SAMD9L):c.164T>A (p.Leu55His)

Gene: SAMD9L (sterile alpha motif domain containing 9 like; minus strand). Cytogenetic location: 7q21.2.
Variant type: single nucleotide variant.
Coding change: c.164T>A on transcript NM_152703.5 (MANE Select); coding-DNA position 164, T replaced by A.
Protein change: p.Leu55His; replaces leucine 55 with histidine.
Molecular consequence: missense variant.
Genome position (GRCh38, 1-based): chr7:93,135,808, A>T on the plus strand (T>A on the coding strand, the complement: SAMD9L is on the minus strand). VCF-style: chr7-93135808-A-T. GRCh37 (hg19) VCF-style: chr7-92765121-A-T.
Other names: c.164T>A, p.Leu55His (NM_001303496.3, NM_001303497.3, NM_001303498.3 and 5 more transcripts); short protein forms L55H.
Identifiers: ClinVar variation 3437245 (VCV003437245.1).